The following is an entry in ClinVar:

ClinVar aggregate classification (germline): Uncertain significance. Review status: criteria provided, multiple submitters, no conflicts (2 of 4 stars). 3 submissions from 3 submitters: Uncertain significance (3). Last evaluated 2025-06-20.

Conditions:
Acute myeloid leukemia (AML). Also called: Acute myeloid leukemia, adult; AML adult; Acute non-lymphocytic leukemia; Acute granulocytic leukemia; Leukemia, acute myelogenous, somatic; Leukemia, acute myeloid, somatic. Identifiers: Orphanet 519, MedGen C0023467, MeSH D015470, MONDO:0018874, OMIM 601626, HP:0004808. Disease mechanism: Constitutively activated FLT3.
Inborn genetic diseases. Identifiers: MedGen C0950123, MeSH D030342.

Allele frequency attached by ClinVar (database versions not stated): TOPMed below 0.00001.

Submissions (3):

Ambry Genetics
Classification: Uncertain significance for Inborn genetic diseases. Last evaluated: 2025-06-20. Review status: criteria provided, single submitter. Criteria: Ambry Variant Classification Scheme 2023. Collection method: clinical testing. Allele origin: germline.
Comment: The p.A79G variant (also known as c.236C>G), located in coding exon 1 of the CEBPA gene, results from a C to G substitution at nucleotide position 236. The alanine at codon 79 is replaced by glycine, an amino acid with similar properties. This amino acid position is well conserved in available vertebrate species. In addition, this alteration is predicted to be tolerated by in silico analysis. Based on the available evidence, the clinical significance of this variant remains unclear.

Labcorp Genetics (formerly Invitae), Labcorp
Classification: Uncertain significance for Acute myeloid leukemia. Last evaluated: 2024-05-21. Review status: criteria provided, single submitter. Criteria: Invitae Variant Classification Sherloc (09022015). Collection method: clinical testing. Allele origin: germline.
Comment: This sequence change replaces alanine, which is neutral and non-polar, with glycine, which is neutral and non-polar, at codon 79 of the CEBPA protein (p.Ala79Gly). This variant is present in population databases (no rsID available, gnomAD 0.007%). This variant has not been reported in the literature in individuals affected with CEBPA-related conditions. ClinVar contains an entry for this variant (Variation ID: 951077). Advanced modeling of protein sequence and biophysical properties (such as structural, functional, and spatial information, amino acid conservation, physicochemical variation, residue mobility, and thermodynamic stability) performed at Invitae indicates that this missense variant is not expected to disrupt CEBPA protein function with a negative predictive value of 80%. In summary, the available evidence is currently insufficient to determine the role of this variant in disease. Therefore, it has been classified as a Variant of Uncertain Significance.

Baylor Genetics
Classification: Uncertain significance for Acute myeloid leukemia. Last evaluated: 2023-08-07. Review status: criteria provided, single submitter. Criteria: ACMG Guidelines, 2015. Collection method: clinical testing. Allele origin: unknown.

NM_004364.5(CEBPA):c.236C>G (p.Ala79Gly)

Gene: CEBPA (CCAAT enhancer binding protein alpha; minus strand). Cytogenetic location: 19q13.11.
Variant type: single nucleotide variant.
Coding change: c.236C>G on transcript NM_004364.5 (MANE Select); coding-DNA position 236, C replaced by G.
Protein change: p.Ala79Gly; replaces alanine 79 with glycine.
Molecular consequence: missense variant. On other transcripts: 5 prime UTR variant (1).
Genome position (GRCh38, 1-based): chr19:33,302,179, G>C on the plus strand (C>G on the coding strand, the complement: CEBPA is on the minus strand). VCF-style: chr19-33302179-G-C. GRCh37 (hg19) VCF-style: chr19-33793085-G-C.
Other names: c.341C>G, p.Ala114Gly (NM_001287424.2); c.194C>G, p.Ala65Gly (NM_001287435.2); c.-122C>G (NM_001285829.2); c.236C>G (NM_004364.3); short protein forms A114G, A65G, A79G.
Identifiers: ClinVar variation 951077 (VCV000951077.12), dbSNP rs1367071880, ClinGen allele CA405275380.